The following is an entry in ClinVar:

ClinVar aggregate classification (germline): Conflicting classifications of pathogenicity. Review status: criteria provided, conflicting classifications (1 of 4 stars). 4 submissions from 4 submitters: Uncertain significance (2); Likely benign (2). Last evaluated 2025-08-21.

Conditions:
Cardiovascular phenotype. Identifiers: MedGen CN230736.
Duchenne muscular dystrophy (DMD). Also called: Duchenne Muscular Dystrophy (DMD); MUSCULAR DYSTROPHY, PSEUDOHYPERTROPHIC PROGRESSIVE, DUCHENNE TYPE. Identifiers: Orphanet 98896, MedGen C0013264, MONDO:0010679, OMIM 310200.

gnomAD v4.1: 1 of 1,209,703 alleles (0.000083%); highest among the groups gnomAD compares: Non-Finnish European, 0.00011%; no homozygotes.

Submissions (4):

Women's Health and Genetics/Laboratory Corporation of America, LabCorp
Classification: Uncertain significance. Last evaluated: 2025-08-21. Review status: criteria provided, single submitter. Criteria: LabCorp Variant Classification Summary - May 2015. Collection method: clinical testing. Allele origin: germline.
Comment: Variant summary: DMD c.8628G>A alters a conserved nucleotide resulting in a synonymous change. Consensus agreement among computation tools predict no significant impact on normal splicing. However, these predictions have yet to be confirmed by functional studies. The variant was absent in 183042 control chromosomes. The available data on variant occurrences in the general population are insufficient to allow any conclusion about variant significance. c.8628G>A has been observed in an individual diagnosed with Duchenne muscular dystrophy (DMD), however the annotation of this variant was ambiguous in this report, therefore it might not represent a true occurrence in this patient (Daoud_2009). These report(s) do not provide unequivocal conclusions about association of the variant with Dystrophinopathies. To our knowledge, no experimental evidence demonstrating an impact on protein function has been reported. The following publication has been ascertained in the context of this evaluation (PMID: 19602481). ClinVar contains an entry for this variant (Variation ID: 1704539). Based on the evidence outlined above, the variant was classified as uncertain significance.

Labcorp Genetics (formerly Invitae), Labcorp
Classification: Uncertain significance for Duchenne muscular dystrophy. Last evaluated: 2025-05-19. Review status: criteria provided, single submitter. Criteria: Invitae Variant Classification Sherloc (09022015). Collection method: clinical testing. Allele origin: germline.
Comment: This sequence change affects codon 2876 of the DMD mRNA. It is a 'silent' change, meaning that it does not change the encoded amino acid sequence of the DMD protein. This variant is not present in population databases (gnomAD no frequency). This variant has been observed in individual(s) with Duchenne muscular dystrophy (PMID: 19602481). ClinVar contains an entry for this variant (Variation ID: 1704539). Algorithms developed to predict the effect of sequence changes on RNA splicing suggest that this variant is not likely to affect RNA splicing. In summary, the available evidence is currently insufficient to determine the role of this variant in disease. Therefore, it has been classified as a Variant of Uncertain Significance.

Ambry Genetics
Classification: Likely benign for Cardiovascular phenotype. Last evaluated: 2025-05-18. Review status: criteria provided, single submitter. Criteria: Ambry Variant Classification Scheme 2023. Collection method: clinical testing. Allele origin: germline.

Blueprint Genetics
Classification: Likely benign. Last evaluated: 2020-08-11. Review status: criteria provided, single submitter. Criteria: ACMG Guidelines, 2015. Collection method: clinical testing. Allele origin: germline.

Literature cited by the submitters: PubMed 19602481 (cited by Women's Health and Genetics/Laboratory Corporation of America, LabCorp and Labcorp Genetics (formerly Invitae), Labcorp).

NM_004006.3(DMD):c.8628G>A (p.Gln2876=)

Gene: DMD (dystrophin; minus strand). Cytogenetic location: Xp21.2.
Variant type: single nucleotide variant.
Coding change: c.8628G>A on transcript NM_004006.3 (MANE Select); coding-DNA position 8628, G replaced by A.
Protein change: p.Gln2876=; no amino-acid change (glutamine 2876 retained).
Molecular consequence: synonymous variant.
Genome position (GRCh38, 1-based): chrX:31,479,023, C>T on the plus strand (G>A on the coding strand, the complement: DMD is on the minus strand). VCF-style: chrX-31479023-C-T. GRCh37 (hg19) VCF-style: chrX-31497140-C-T.
Other names: c.8604G>A, p.Gln2868= (NM_000109.4); c.8616G>A, p.Gln2872= (NM_004009.3); c.8259G>A, p.Gln2753= (NM_004010.3); c.4605G>A, p.Gln1535= (NM_004011.4); c.4596G>A, p.Gln1532= (NM_004012.4); c.1248G>A, p.Gln416= (NM_004013.3, NM_004020.4, NM_004021.3 and 2 more transcripts); c.441G>A, p.Gln147= (NM_004014.3).
Identifiers: ClinVar variation 1704539 (VCV001704539.8), dbSNP rs777817144, ClinGen allele CA515858412.
Genomic context (GRCh38, chrX:31,479,023, plus strand): 5'-ATAGTTCCACATTCAATTACCTCTGGGCTCCTGGTAGAGTTTCTCTAGTCCTTCCAAAGG[C>T]TGCTCTGTCAGAAATATTCGTACAGTCTCAAGAGTACTCATGATTACAGGTTCTTTAGTT-3'
Protein context (NP_003997.2, residues 2866-2886): LETVRIFLTE[Gln2876=]PLEGLEKLYQ